The following is an entry in ClinVar:

NM_032578.4(MYPN):c.3880A>G (p.Ile1294Val)

Gene: MYPN (myopalladin; plus strand). Cytogenetic location: 10q21.3.
Variant type: single nucleotide variant.
Coding change: c.3880A>G on transcript NM_032578.4 (MANE Select); coding-DNA position 3880, A replaced by G.
Protein change: p.Ile1294Val; replaces isoleucine 1294 with valine.
Molecular consequence: missense variant. On other transcripts: non-coding transcript variant (2).
Genome position (GRCh38, 1-based): chr10:68,210,372, A>G. VCF-style: chr10-68210372-A-G. GRCh37 (hg19) VCF-style: chr10-69970129-A-G.
Other names: c.3880A>G, p.Ile1294Val (NM_001256267.2); c.2998A>G, p.Ile1000Val (NM_001256268.2); short protein forms I1000V, I1294V.
Identifiers: ClinVar variation 939808 (VCV000939808.8), dbSNP rs1246586000, ClinGen allele CA376830126.

ClinVar aggregate classification (germline): Uncertain significance (1 of 4 stars; one submission).

Conditions:
Dilated cardiomyopathy 1KK (CMD1KK). Identifiers: Orphanet 154, Orphanet 75249, MedGen C3714995, MONDO:0014100, OMIM 615248.

Allele frequency attached by ClinVar (database versions not stated): gnomAD exomes below 0.00001.
gnomAD v4.1: 1 of 1,614,158 alleles (0.000062%); highest among the groups gnomAD compares: Non-Finnish European, 0.000085%; no homozygotes.

Submission:

Labcorp Genetics (formerly Invitae), Labcorp
Classification: Uncertain significance for Dilated cardiomyopathy 1KK. Last evaluated: 2019-08-29. Review status: criteria provided, single submitter. Criteria: Invitae Variant Classification Sherloc (09022015). Collection method: clinical testing. Allele origin: germline.
Comment: This variant has not been reported in the literature in individuals with MYPN-related conditions. In summary, the available evidence is currently insufficient to determine the role of this variant in disease. Therefore, it has been classified as a Variant of Uncertain Significance. Algorithms developed to predict the effect of sequence changes on RNA splicing suggest that this variant may create or strengthen a splice site, but this prediction has not been confirmed by published transcriptional studies. Algorithms developed to predict the effect of missense changes on protein structure and function (SIFT, PolyPhen-2, Align-GVGD) all suggest that this variant is likely to be tolerated, but these predictions have not been confirmed by published functional studies and their clinical significance is uncertain. This variant is not present in population databases (ExAC no frequency). This sequence change replaces isoleucine with valine at codon 1294 of the MYPN protein (p.Ile1294Val). The isoleucine residue is moderately conserved and there is a small physicochemical difference between isoleucine and valine.